The following is an entry in ClinVar:

NM_001374828.1(ARID1B):c.4479G>A (p.Pro1493=)

Gene: ARID1B (AT-rich interaction domain 1B; plus strand). Cytogenetic location: 6q25.3.
Variant type: single nucleotide variant.
Coding change: c.4479G>A on transcript NM_001374828.1 (MANE Select); coding-DNA position 4479, G replaced by A.
Protein change: p.Pro1493=; no amino-acid change (proline 1493 retained).
Molecular consequence: synonymous variant.
Genome position (GRCh38, 1-based): chr6:157,198,907, G>A. VCF-style: chr6-157198907-G-A. GRCh37 (hg19) VCF-style: chr6-157520041-G-A.
Other names: c.4110G>A, p.Pro1370= (NM_020732.3); c.1980G>A, p.Pro660= (NM_001363725.2); c.4359G>A, p.Pro1453= (NM_001371656.1, NM_001374820.1); c.4320G>A, p.Pro1440= (NM_017519.3).
Identifiers: ClinVar variation 210291 (VCV000210291.32), dbSNP rs797045277, ClinGen allele CA207808.
Genomic context (GRCh38, chr6:157,198,907, plus strand): 5'-CCCTCCCTCGGGACAGCCGCCGTATGGAGGGCACCAGCCCGGCCTGTACCCACAGCAGCC[G>A]GTGAGTTGGCAAGTGGGCGTGGGGTGCTGTGTTTTCTGGTTCTGTCCTGGAGGCTAAAAC-3'
Protein context (NP_001361757.1, residues 1483-1503): GHQPGLYPQQ[Pro1493=]NYKRHMDGMY

ClinVar aggregate classification (germline): Pathogenic/Likely pathogenic. Review status: criteria provided, multiple submitters, no conflicts (2 of 4 stars). 18 submissions from 17 submitters: Pathogenic (12); Likely pathogenic (4). 2 of the submissions do not count toward it. Last evaluated 2025-04-24.

Conditions:
ARID1B-related BAFopathy.
ARID1B-Related Disorder. Identifiers: MedGen CN381337.
Inborn genetic diseases. Identifiers: MedGen C0950123, MeSH D030342.
Coffin-Siris syndrome 1 (CSS1). Also called: ARID1B-Related Coffin-Siris Syndrome; Mental retardation, autosomal dominant 12. Identifiers: Orphanet 1465, MedGen C3281201, MONDO:0007617, OMIM 135900. Disease mechanism: gain of function.
Microcephaly. Also called: Microcephaly (disease). Identifiers: MedGen C4551563, MONDO:0001149, HP:0000252.
Recurrent respiratory infections. Identifiers: MedGen C3806482, HP:0002205.
Constipation. Also called: Constipation disorder. Identifiers: MedGen C0009806, MONDO:0002203, HP:0002019.
Failure to thrive. Also called: Pediatric failure to thrive. Identifiers: MedGen C2315100, HP:0001508.
Seizure. Also called: Seizures. Identifiers: MedGen C0036572, HP:0001250.
Short stature. Identifiers: MedGen C0349588, HP:0004322.
Decreased body weight. Identifiers: MedGen C5574742, HP:0004325.

Submissions 1 to 11 of 18:

Victorian Clinical Genetics Services, Murdoch Childrens Research Institute
Classification: Pathogenic for Coffin-Siris syndrome 1. Last evaluated: 2025-04-24. Review status: criteria provided, single submitter. Criteria: ACMG Guidelines, 2015. Collection method: clinical testing. Allele origin: germline. Affected: yes.
Comment: This variant is classified as Pathogenic. Evidence in support of pathogenic classification: Splice site variant proven to affect splicing of the transcript. This variant affects the last nucleotide position of exon 17. A minigene splicing assay has shown that this variant results in the skipping of exon 17 and subsequently introduces a premature termination codon 76 amino acids downstream (PMID: 22405089); Variant is absent from gnomAD (v2, v3 and v4); This variant has strong previous evidence of pathogenicity in unrelated individuals. This variant has been classified as pathogenic or likely pathogenic by multiple clinical laboratories in ClinVar; Additional information: This variant is heterozygous; This gene is associated with autosomal dominant disease; Loss of function is a known mechanism of disease in this gene and is associated with Coffin-Siris syndrome 1 (MIM#135900); Variants in this gene are known to have variable expressivity (PMID: 33768696).

Ambry Genetics
Classification: Pathogenic for Inborn genetic diseases. Last evaluated: 2024-03-12. Review status: criteria provided, single submitter. Criteria: Ambry Variant Classification Scheme 2023. Collection method: clinical testing. Allele origin: germline.
Comment: The c.4110G>A (p.P1370P) alteration is located in coding exon 17 of the ARID1B gene. This nucleotide substitution does not change the proline (P) at codon 1370. However, this change occurs in the last base pair of coding exon 17, which makes it likely to have some effect on normal mRNA splicing. This variant was not reported in population-based cohorts in the Genome Aggregation Database (gnomAD). This alteration has been reported as a de novo occurrence in multiple unrelated individuals with CSS (Hoyer, 2012; Mignot, 2016; Zweier, 2017). This nucleotide position is highly conserved in available vertebrate species. RNA functional analysis demonstrated that the alteration leads to out-of-frame skipping of exon 17 (Hoyer, 2012). In silico splice site analysis predicts that this alteration will not have any significant effect on splicing. Based on the available evidence, this alteration is classified as pathogenic.

Pittsburgh Clinical Genomics Laboratory, University of Pittsburgh Medical Center
Classification: Pathogenic for Coffin-Siris syndrome 1. Last evaluated: 2024-02-01. Review status: criteria provided, single submitter. Criteria: ACMG Guidelines, 2015. Collection method: clinical testing. Allele origin: germline. Inheritance: Autosomal dominant inheritance. Affected: yes.
Comment: This sequence variant is a single nucleotide substitution (G>A) at coding position 4479 of the ARID1B gene; this variant occurs within the donor splice site of exon 17 of 20 in the ARID1B gene. This is a previously reported variant (ClinVar 210291) that has been observed in individuals affected by Coffin-Siris syndrome (PMID: 29286531, 27474218, 31406558), intellectual disability (PMID: 22405089), and HHID syndrome (PMID: 28323383). This variant is absent from the gnomAD v4.0.0 population database (0/613012 alleles). Multiple computational tools predict that this variant will cause aberrant splicing through disruption of the intron 17 splice donor site. This prediction is confirmed through RNA studies, which show that this variant causes exon 17 to be skipped, resulting in a frameshift and early termination (p.Arg1338ArgfsTer76) (PMID: 27474218). Based upon the evidence, we consider this variant to be pathogenic. ACMG Criteria: PM2, PP3, PS2, PS3, PVS1

PreventionGenetics, part of Exact Sciences
Classification: Pathogenic for ARID1B-related condition. Last evaluated: 2023-04-20. Review status: criteria provided, single submitter. Criteria: ACMG Guidelines, 2015. Collection method: clinical testing. Allele origin: germline.
Comment: The ARID1B c.4110G>A variant is not predicted to result in an amino acid change (p.=). This variant is predicted to weaken the canonical splice donor site (Alamut Visual Plus v1.6.1). This variant has been reported in multiple individuals with Coffin-Siris syndrome and the majority of cases were found to be de novo (see for example, Hoyer et al. 2012. PubMed ID: 22405089; Mignot et al. 2016. PubMed ID: 27474218; Tumienė et al. 2018. PubMed ID: 29286531; van der Sluijs et al. 2019. PubMed ID: 30349098). This variant has not been reported in a large population database, indicating it is rare or absent in the general population. cDNA analyses indicated that this variant causes skipping of exon 17 and a shift to the translation reading frame (p.Arg1338Argfs*76, Hoyer et al. 2012. PubMed ID: 22405089) This variant is interpreted as pathogenic.

GeneDx
Classification: Pathogenic. Last evaluated: 2022-09-07. Review status: criteria provided, single submitter. Criteria: GeneDx Variant Classification Process June 2021. Collection method: clinical testing. Allele origin: germline. Affected: yes.
Comment: Affects the splice donor site and induces skipping of exon 17 causing a frameshift leading to a premature Stop codon (p.Arg1338ArgfsX76) (Hoyer et al., 2012); Not observed in large population cohorts (gnomAD); This variant is associated with the following publications: (PMID: 30349098, 22405089, 28323383, 27474218, 29286531, 15057123, 31406558)

Labcorp Genetics (formerly Invitae), Labcorp
Classification: Pathogenic. Last evaluated: 2022-08-17. Review status: criteria provided, single submitter. Criteria: Invitae Variant Classification Sherloc (09022015). Collection method: clinical testing. Allele origin: germline.
Comment: For these reasons, this variant has been classified as Pathogenic. Variants that disrupt the consensus splice site are a relatively common cause of aberrant splicing (PMID: 17576681, 9536098). Studies have shown that this variant results in skipping of exon 17 and introduces a premature termination codon (PMID: 22405089). The resulting mRNA is expected to undergo nonsense-mediated decay. ClinVar contains an entry for this variant (Variation ID: 210291). This variant has been observed in individual(s) with clinical features of Coffin-Siris syndrome and/or Coffin-Siris syndrome (PMID: 22405089, 27474218, 28323383). In at least one individual the variant was observed to be de novo. This variant is not present in population databases (gnomAD no frequency). This sequence change affects codon 1370 of the ARID1B mRNA. It is a 'silent' change, meaning that it does not change the encoded amino acid sequence of the ARID1B protein. RNA analysis indicates that this variant induces altered splicing and may result in an absent or disrupted protein product.

Blueprint Genetics
Classification: Pathogenic for ARID1B-related disorders. Last evaluated: 2022-07-22. Review status: criteria provided, single submitter. Criteria: ACMG Guidelines, 2015. Collection method: clinical testing. Allele origin: germline. Affected: yes. Observed: 1 variant allele.

Mendelics
Classification: Pathogenic for Coffin-Siris syndrome 1. Last evaluated: 2022-05-04. Review status: criteria provided, single submitter. Criteria: Mendelics Assertion Criteria 2019. Collection method: clinical testing. Allele origin: germline.

Centre of Medical Genetics, University Hospital Muenster
Classification: Likely pathogenic. Last evaluated: 2021-12-10. Review status: criteria provided, single submitter. Criteria: ACMG Guidelines, 2015. Collection method: clinical testing. Allele origin: unknown. Affected: yes. Observed: 1 variant allele, 1 heterozygote.
Comment: ACMG categories: PS5,PM2,PP3

Genome-Nilou Lab
Classification: Likely pathogenic for Coffin-Siris syndrome 1. Last evaluated: 2021-07-15. Review status: criteria provided, single submitter. Criteria: ACMG Guidelines, 2015. Collection method: clinical testing. Allele origin: germline. Affected: no.

Baylor Genetics
Classification: Pathogenic for ARID1B-related BAFopathy. Last evaluated: 2021-06-10. Review status: criteria provided, single submitter. Criteria: ACMG Guidelines, 2015. Collection method: clinical testing. Allele origin: unknown. Affected: yes.